The following is an entry in ClinVar:

ClinVar aggregate classification (germline): Uncertain significance. Review status: criteria provided, multiple submitters, no conflicts (2 of 4 stars). 2 submissions from 2 submitters: Uncertain significance (2). Last evaluated 2021-05-18.

Allele frequency attached by ClinVar (database versions not stated): gnomAD 0.00001; gnomAD exomes 0.00002 and 0.00003; ExAC 0.00003.

Submissions (2):

Labcorp Genetics (formerly Invitae), Labcorp
Classification: Uncertain significance. Last evaluated: 2021-05-18. Review status: criteria provided, single submitter. Criteria: Invitae Variant Classification Sherloc (09022015). Collection method: clinical testing. Allele origin: germline.
Comment: In summary, the available evidence is currently insufficient to determine the role of this variant in disease. Therefore, it has been classified as a Variant of Uncertain Significance. Algorithms developed to predict the effect of missense changes on protein structure and function output the following: SIFT: "Tolerated"; PolyPhen-2: "Possibly Damaging"; Align-GVGD: "Class C0". The lysine amino acid residue is found in multiple mammalian species, suggesting that this missense change does not adversely affect protein function. These predictions have not been confirmed by published functional studies and their clinical significance is uncertain. This variant has not been reported in the literature in individuals with DMP1-related conditions. ClinVar contains an entry for this variant (Variation ID: 289856). This variant is present in population databases (rs528744693, ExAC 0.006%). This sequence change replaces arginine with lysine at codon 310 of the DMP1 protein (p.Arg310Lys). The arginine residue is moderately conserved and there is a small physicochemical difference between arginine and lysine.

Eurofins Ntd Llc (ga)
Classification: Uncertain significance. Last evaluated: 2016-08-31. Review status: criteria provided, single submitter. Criteria: EGL Classification Definitions 2015. Collection method: clinical testing. Allele origin: germline. Observed: 1 variant allele, 1 heterozygote.

NM_004407.4(DMP1):c.929G>A (p.Arg310Lys)

Genes: DMP1 (dentin matrix acidic phosphoprotein 1; plus strand), DMP1-AS1 (DMP1 and DSPP antisense RNA 1; minus strand). Cytogenetic location: 4q22.1.
Variant type: single nucleotide variant.
Coding change: c.929G>A on transcript NM_004407.4 (MANE Select); coding-DNA position 929, G replaced by A.
Protein change: p.Arg310Lys; replaces arginine 310 with lysine.
Molecular consequence: missense variant.
Genome position (GRCh38, 1-based): chr4:87,662,707, G>A. VCF-style: chr4-87662707-G-A. GRCh37 (hg19) VCF-style: chr4-88583859-G-A.
Other names: c.881G>A, p.Arg294Lys (NM_001079911.3); short protein forms R310K, R294K.
Identifiers: ClinVar variation 289856 (VCV000289856.12), dbSNP rs528744693, ClinGen allele CA3002111.